The following is an entry in ClinVar:

ClinVar aggregate classification (germline): Uncertain significance (1 of 4 stars; one submission).

Conditions:
Severe combined immunodeficiency due to DNA-PKcs deficiency. Also called: Immunodeficiency 26 with or without neurologic abnormalities; IMMUNODEFICIENCY 26 WITH NEUROLOGIC ABNORMALITIES. Identifiers: Orphanet 317425, MedGen C4014833, MONDO:0014423, OMIM 615966.

Allele frequency attached by ClinVar (database versions not stated): gnomAD exomes below 0.00001.
gnomAD v4.1: 2 of 1,612,158 alleles (0.00012%); highest among the groups gnomAD compares: Non-Finnish European, 0.00017%; no homozygotes.

Submission:

Labcorp Genetics (formerly Invitae), Labcorp
Classification: Uncertain significance for Severe combined immunodeficiency due to DNA-PKcs deficiency. Last evaluated: 2021-08-04. Review status: criteria provided, single submitter. Criteria: Invitae Variant Classification Sherloc (09022015). Collection method: clinical testing. Allele origin: germline.
Comment: This sequence change replaces glutamic acid with glycine at codon 1273 of the PRKDC protein (p.Glu1273Gly). The glutamic acid residue is weakly conserved and there is a moderate physicochemical difference between glutamic acid and glycine. This variant is not present in population databases (ExAC no frequency). This variant has not been reported in the literature in individuals with PRKDC-related conditions. Experimental studies and prediction algorithms are not available or were not evaluated, and the functional significance of this variant is currently unknown. In summary, the available evidence is currently insufficient to determine the role of this variant in disease. Therefore, it has been classified as a Variant of Uncertain Significance.

NM_006904.7(PRKDC):c.3818A>G (p.Glu1273Gly)

Gene: PRKDC (protein kinase, DNA-activated, catalytic subunit; minus strand). Cytogenetic location: 8q11.21.
Variant type: single nucleotide variant.
Coding change: c.3818A>G on transcript NM_006904.7 (MANE Select); coding-DNA position 3818, A replaced by G.
Protein change: p.Glu1273Gly; replaces glutamic acid 1273 with glycine.
Molecular consequence: missense variant.
Genome position (GRCh38, 1-based): chr8:47,893,168, T>C on the plus strand (A>G on the coding strand, the complement: PRKDC is on the minus strand). VCF-style: chr8-47893168-T-C. GRCh37 (hg19) VCF-style: chr8-48805729-T-C.
Other names: c.3818A>G, p.Glu1273Gly (NM_001081640.2); short protein forms E1273G.
Identifiers: ClinVar variation 1469698 (VCV001469698.6), dbSNP rs2089499467, ClinGen allele CA371150240.
Genomic context (GRCh38, chr8:47,893,168, plus strand): 5'-CACACACCAGAATAAGGCAAGGGTGACCTACCTAGGACCTGGAGCGCTCCTACAGTTCTC[T>C]CGCCAATGAACGTGTTGTAGCACTCCAACGCGGCCAGGAGCAGGTCCAGCCAGCATAGCG-3'
Protein context (NP_008835.5, residues 1263-1283): ALECYNTFIG[Glu1273Gly]RTVGALQVLG